The following is an entry in ClinVar:

ClinVar aggregate classification (germline): Conflicting classifications of pathogenicity. Review status: criteria provided, conflicting classifications (1 of 4 stars). 5 submissions from 5 submitters: Uncertain significance (4); Likely benign (1). Last evaluated 2025-02-06.

Conditions:
Hereditary cancer-predisposing syndrome. Also called: Neoplastic Syndromes, Hereditary; Hereditary Cancer Syndrome; Hereditary neoplastic syndrome; Tumor predisposition. Identifiers: Orphanet 140162, MedGen C0027672, MeSH D009386, MONDO:0015356.
Familial cancer of breast. Also called: hereditary breast carcinoma; Hereditary breast cancer; BREAST CANCER, FAMILIAL. Identifiers: Orphanet 227535, MedGen C0346153, MONDO:0016419, OMIM 114480. Disease mechanism: loss of function.
Ataxia-telangiectasia syndrome (AT). Also called: Ataxia-telangiectasia, complementation group D; AT, COMPLEMENTATION GROUP C; ATAXIA-TELANGIECTASIA, COMPLEMENTATION GROUP A; ATAXIA-TELANGIECTASIA, FRESNO VARIANT; Cerebello-oculocutaneous telangiectasia; Immunodeficiency with ataxia telangiectasia. Identifiers: Orphanet 100, MedGen C0004135, MONDO:0008840, OMIM 208900.

Allele frequency attached by ClinVar (database versions not stated): TOPMed below 0.00001; ExAC 0.00002; 1000 Genomes Project 30x 0.00016; 1000 Genomes Project 0.00020.
gnomAD v4.1: 4 of 1,570,340 alleles (0.00025%); highest among the groups gnomAD compares: Admixed American, 0.0017%; no homozygotes.

Submissions (5):

Labcorp Genetics (formerly Invitae), Labcorp
Classification: Uncertain significance for Ataxia-telangiectasia syndrome. Last evaluated: 2025-02-06. Review status: criteria provided, single submitter. Criteria: Invitae Variant Classification Sherloc (09022015). Collection method: clinical testing. Allele origin: germline.
Comment: This sequence change replaces isoleucine, which is neutral and non-polar, with valine, which is neutral and non-polar, at codon 1547 of the ATM protein (p.Ile1547Val). This variant is present in population databases (rs537377433, gnomAD 0.007%). This variant has not been reported in the literature in individuals affected with ATM-related conditions. ClinVar contains an entry for this variant (Variation ID: 453531). Invitae Evidence Modeling of protein sequence and biophysical properties (such as structural, functional, and spatial information, amino acid conservation, physicochemical variation, residue mobility, and thermodynamic stability) indicates that this missense variant is not expected to disrupt ATM protein function with a negative predictive value of 95%. RNA analysis performed to evaluate the impact of this missense change on mRNA splicing indicates it does not significantly alter splicing (internal data). In summary, the available evidence is currently insufficient to determine the role of this variant in disease. Therefore, it has been classified as a Variant of Uncertain Significance.

Ambry Genetics
Classification: Likely benign for Hereditary cancer-predisposing syndrome. Last evaluated: 2024-10-07. Review status: criteria provided, single submitter. Criteria: Ambry Variant Classification Scheme 2023. Collection method: clinical testing. Allele origin: germline.

GeneDx
Classification: Uncertain significance. Last evaluated: 2024-03-20. Review status: criteria provided, single submitter. Criteria: GeneDx Variant Classification Process June 2021. Collection method: clinical testing. Allele origin: germline. Affected: yes.
Comment: Not observed at significant frequency in large population cohorts (gnomAD); In silico analysis supports that this missense variant does not alter protein structure/function; Has not been previously published as pathogenic or benign to our knowledge

Baylor Genetics
Classification: Uncertain significance for Familial cancer of breast. Last evaluated: 2021-07-11. Review status: criteria provided, single submitter. Criteria: ACMG Guidelines, 2015. Collection method: clinical testing. Allele origin: unknown.

Blueprint Genetics
Classification: Uncertain significance. Last evaluated: 2021-04-29. Review status: criteria provided, single submitter. Criteria: ACMG Guidelines, 2015. Collection method: clinical testing. Allele origin: germline.

NM_000051.4(ATM):c.4639A>G (p.Ile1547Val)

Gene: ATM (ATM serine/threonine kinase; plus strand). Cytogenetic location: 11q22.3.
Variant type: single nucleotide variant.
Coding change: c.4639A>G on transcript NM_000051.4 (MANE Select); coding-DNA position 4639, A replaced by G.
Protein change: p.Ile1547Val; replaces isoleucine 1547 with valine.
Molecular consequence: missense variant.
Genome position (GRCh38, 1-based): chr11:108,293,340, A>G. VCF-style: chr11-108293340-A-G. GRCh37 (hg19) VCF-style: chr11-108164067-A-G.
Other names: c.4639A>G, p.Ile1547Val (NM_001351834.2); short protein forms I1547V.
Identifiers: ClinVar variation 453531 (VCV000453531.15), dbSNP rs537377433, ClinGen allele CA6265524.